The following is an entry in ClinVar:

ClinVar aggregate classification (germline): Uncertain significance (1 of 4 stars; one submission).

Conditions:
Multiple endocrine neoplasia, type 2 (MEN2). Identifiers: Orphanet 653, MedGen C4048306, MONDO:0019003. Disease mechanism: gain of function.

Allele frequency attached by ClinVar (database versions not stated): gnomAD exomes below 0.00001.
gnomAD v4.1: 6 of 1,609,184 alleles (0.00037%); highest among the groups gnomAD compares: Non-Finnish European, 0.00051%; no homozygotes.

Submission:

Labcorp Genetics (formerly Invitae), Labcorp
Classification: Uncertain significance for Multiple endocrine neoplasia, type 2. Last evaluated: 2023-07-17. Review status: criteria provided, single submitter. Criteria: Invitae Variant Classification Sherloc (09022015). Collection method: clinical testing. Allele origin: germline.
Comment: In summary, the available evidence is currently insufficient to determine the role of this variant in disease. Therefore, it has been classified as a Variant of Uncertain Significance. Algorithms developed to predict the effect of sequence changes on RNA splicing suggest that this variant may create or strengthen a splice site. ClinVar contains an entry for this variant (Variation ID: 943556). This variant has not been reported in the literature in individuals affected with RET-related conditions. This variant is present in population databases (no rsID available, gnomAD 0.0009%). This sequence change falls in intron 13 of the RET gene. It does not directly change the encoded amino acid sequence of the RET protein.

NM_020975.6(RET):c.2392+7C>T

Gene: RET (ret proto-oncogene; plus strand). Cytogenetic location: 10q11.21.
Variant type: single nucleotide variant.
Coding change: c.2392+7C>T on transcript NM_020975.6 (MANE Select); 7 bases into the intron after coding-DNA position 2392, C replaced by T.
Molecular consequence: intron variant.
Genome position (GRCh38, 1-based): chr10:43,118,487, C>T. VCF-style: chr10-43118487-C-T. GRCh37 (hg19) VCF-style: chr10-43613935-C-T.
Other names: c.2392+7C>T (NM_020630.7, NM_001406743.1, NM_001406744.1 and 2 more transcripts); c.2257+7C>T (NM_001406765.1, NM_001406763.1); c.1996+7C>T (NM_001406772.1, NM_001406769.1); c.1954+7C>T (NM_001406773.1, NM_001406771.1); c.1495+7C>T (NM_001406782.1, NM_001406780.1, NM_001406779.1 and 1 more transcripts); c.1360+7C>T (NM_001406787.1); c.1375+7C>T (NM_001406785.1); c.2263+7C>T (NM_001406764.1, NM_001406762.1, NM_001406761.1); and 10 more.
Identifiers: ClinVar variation 943556 (VCV000943556.10), dbSNP rs1223172915, ClinGen allele CA592895826.
Genomic context (GRCh38, chr10:43,118,487, plus strand): 5'-AGCAGGTCAACCACCCACATGTCATCAAATTGTATGGGGCCTGCAGCCAGGATGGTAAGG[C>T]CAGCTGCAGGGTGAGGTGGGCAGCCACTGCACCCAGGCTGGGGGCTCCATACAGCCCTGT-3'